The following is an entry in ClinVar:

ClinVar aggregate classification (germline): Uncertain significance (1 of 4 stars; one submission).

Submission:

Greenwood Genetic Center Diagnostic Laboratories, Greenwood Genetic Center
Classification: Uncertain significance. Last evaluated: 2021-03-03. Review status: criteria provided, single submitter. Criteria: ACMG Guidelines, 2015. Collection method: clinical testing. Allele origin: germline. Affected: yes.
Comment: PM2

NM_004961.4(GABRE):c.1189T>C (p.Cys397Arg)

Gene: GABRE (gamma-aminobutyric acid type A receptor subunit epsilon; minus strand). Cytogenetic location: Xq28.
Variant type: single nucleotide variant.
Coding change: c.1189T>C on transcript NM_004961.4 (MANE Select); coding-DNA position 1189, T replaced by C.
Protein change: p.Cys397Arg; replaces cysteine 397 with arginine.
Molecular consequence: missense variant.
Genome position (GRCh38, 1-based): chrX:151,955,033, A>G on the plus strand (T>C on the coding strand, the complement: GABRE is on the minus strand). VCF-style: chrX-151955033-A-G. GRCh37 (hg19) VCF-style: chrX-151123505-A-G.
Other names: short protein forms C397R.
Identifiers: ClinVar variation 1331599 (VCV001331599.4), dbSNP rs2124144962, ClinGen allele CA415055339.